The following is an entry in ClinVar:

ClinVar aggregate classification (germline): Pathogenic (1 of 4 stars; one submission).

Conditions:
ERCC2-related disorder. Also called: ERCC2-related conditions; ERCC2-related condition; ERCC2-related disorders. Identifiers: MedGen CN239291.

Submission:

Myriad Genetics, Inc.
Classification: Pathogenic for ERCC2-related disorder. Last evaluated: 2026-06-25. Review status: criteria provided, single submitter. Criteria: Myriad Autosomal Dominant, Autosomal Recessive and X-Linked Classification Criteria (2023). Collection method: clinical testing. Allele origin: unknown.
Comment: NM_000400.3(ERCC2):c.552delG(R185Gfs*63) is expected to be pathogenic in the context of ERCC2-related disorders. This variant is predicted to lead to an abnormal or absent protein product due to the creation of a premature termination codon in ERCC2, a gene where loss-of-function variants are known to be pathogenic. Please note: this variant was assessed in the context of healthy population screening.

NM_000400.4(ERCC2):c.552del (p.Arg185fs)

Gene: ERCC2 (ERCC excision repair 2, TFIIH core complex helicase subunit; minus strand). Cytogenetic location: 19q13.32.
Variant type: Deletion.
Coding change: c.552del on transcript NM_000400.4 (MANE Select); coding-DNA position 552, one base deleted (G; older notation c.552delG).
Protein change: p.Arg185fs; shifts the reading frame from arginine 185.
Molecular consequence: frameshift variant. On other transcripts: non-coding transcript variant (3).
Genome position (GRCh38, 1-based): chr19:45,364,880, C deleted on the plus strand (G on the coding strand, the reverse complement: ERCC2 is on the minus strand); the first of 4 consecutive C bases (chr19:45,364,880-45,364,883); deleting any one gives the same sequence. VCF-style (leftmost placement, unchanged base first): chr19-45364879-GC-G. GRCh37 (hg19) VCF-style: chr19-45868137-GC-G.
Other names: c.480del, p.Arg161fs (NM_001130867.2, NM_001440355.1); c.474del, p.Arg159fs (NM_001440356.1); c.429del, p.Arg144fs (NM_001440357.1); short protein forms R144fs, R159fs, R161fs, R185fs.
Identifiers: ClinVar variation 5016076 (VCV005016076.1).